The following is an entry in ClinVar:

NM_000051.4(ATM):c.5292A>G (p.Leu1764=)

Gene: ATM (ATM serine/threonine kinase; plus strand). Cytogenetic location: 11q22.3.
Variant type: single nucleotide variant.
Coding change: c.5292A>G on transcript NM_000051.4 (MANE Select); coding-DNA position 5292, A replaced by G.
Protein change: p.Leu1764=; no amino-acid change (leucine 1764 retained).
Molecular consequence: synonymous variant.
Genome position (GRCh38, 1-based): chr11:108,301,762, A>G. VCF-style: chr11-108301762-A-G. GRCh37 (hg19) VCF-style: chr11-108172489-A-G.
Other names: c.5292A>G, p.Leu1764= (NM_001351834.2).
Identifiers: ClinVar variation 184798 (VCV000184798.17), dbSNP rs786201703, ClinGen allele CA190073.

ClinVar aggregate classification (germline): Benign/Likely benign. Review status: criteria provided, multiple submitters, no conflicts (2 of 4 stars). 4 submissions from 4 submitters: Benign (1); Likely benign (3). Last evaluated 2024-08-27.

Conditions:
Hereditary cancer-predisposing syndrome. Also called: Tumor predisposition; Hereditary Cancer Syndrome; Hereditary neoplastic syndrome; Neoplastic Syndromes, Hereditary. Identifiers: Orphanet 140162, MedGen C0027672, MeSH D009386, MONDO:0015356.
Familial cancer of breast. Also called: BREAST CANCER, FAMILIAL; hereditary breast carcinoma; Hereditary breast cancer. Identifiers: Orphanet 227535, MedGen C0346153, MONDO:0016419, OMIM 114480. Disease mechanism: loss of function.
Ataxia-telangiectasia syndrome (AT). Also called: LOUIS-BAR SYNDROME; Cerebello-oculocutaneous telangiectasia; Immunodeficiency with ataxia telangiectasia; ATAXIA-TELANGIECTASIA, COMPLEMENTATION GROUP A; ATAXIA-TELANGIECTASIA, FRESNO VARIANT; Ataxia-telangiectasia. Identifiers: Orphanet 100, MedGen C0004135, MONDO:0008840, OMIM 208900.

Allele frequency attached by ClinVar (database versions not stated): gnomAD exomes 0.00001.
gnomAD v4.1: 21 of 1,613,728 alleles (0.0013%); highest among the groups gnomAD compares: Non-Finnish European, 0.0018%; no homozygotes.

Submissions (4):

Labcorp Genetics (formerly Invitae), Labcorp
Classification: Likely benign for Ataxia-telangiectasia syndrome. Last evaluated: 2024-08-27. Review status: criteria provided, single submitter. Criteria: Invitae Variant Classification Sherloc (09022015). Collection method: clinical testing. Allele origin: germline.

Myriad Genetics, Inc.
Classification: Benign for Familial cancer of breast. Last evaluated: 2024-05-22. Review status: criteria provided, single submitter. Criteria: Myriad Autosomal Dominant, Autosomal Recessive and X-Linked Classification Criteria (2023). Collection method: clinical testing. Allele origin: unknown.
Comment: This variant is considered benign. This variant is a silent/synonymous amino acid change and it is not expected to impact splicing.

Ambry Genetics
Classification: Likely benign for Hereditary cancer-predisposing syndrome. Last evaluated: 2019-08-22. Review status: criteria provided, single submitter. Criteria: Ambry Variant Classification Scheme 2023. Collection method: clinical testing. Allele origin: germline.

GeneDx
Classification: Likely benign. Last evaluated: 2017-02-28. Review status: criteria provided, single submitter. Criteria: GeneDx Variant Classification (06012015). Collection method: clinical testing. Allele origin: germline. Affected: yes.
Comment: This variant is considered likely benign or benign based on one or more of the following criteria: it is a conservative change, it occurs at a poorly conserved position in the protein, it is predicted to be benign by multiple in silico algorithms, and/or has population frequency not consistent with disease.